The following is an entry in ClinVar:

ClinVar aggregate classification (germline): Uncertain significance. Review status: criteria provided, multiple submitters, no conflicts (2 of 4 stars). 3 submissions from 3 submitters: Uncertain significance (3). Last evaluated 2025-12-21.

Conditions:
Chédiak-Higashi syndrome (CHS). Also called: Chediak-Higashi Syndrome. Identifiers: Orphanet 167, MedGen C0007965, MONDO:0008963, OMIM 214500.
Inborn genetic diseases. Identifiers: MedGen C0950123, MeSH D030342.

Allele frequency attached by ClinVar (database versions not stated): gnomAD 0.00001; gnomAD exomes 0.00001; ExAC 0.00002; TOPMed 0.00004.

Submissions (3):

Labcorp Genetics (formerly Invitae), Labcorp
Classification: Uncertain significance for Chédiak-Higashi syndrome. Last evaluated: 2025-12-21. Review status: criteria provided, single submitter. Criteria: Invitae Variant Classification Sherloc (09022015). Collection method: clinical testing. Allele origin: germline.
Comment: This sequence change replaces arginine, which is basic and polar, with threonine, which is neutral and polar, at codon 1530 of the LYST protein (p.Arg1530Thr). This variant is present in population databases (rs376938449, gnomAD 0.07%). This variant has not been reported in the literature in individuals affected with LYST-related conditions. ClinVar contains an entry for this variant (Variation ID: 1040035). Invitae Evidence Modeling of protein sequence and biophysical properties (such as structural, functional, and spatial information, amino acid conservation, physicochemical variation, residue mobility, and thermodynamic stability) indicates that this missense variant is not expected to disrupt LYST protein function with a negative predictive value of 80%. In summary, the available evidence is currently insufficient to determine the role of this variant in disease. Therefore, it has been classified as a Variant of Uncertain Significance.

Ambry Genetics
Classification: Uncertain significance for Inborn genetic diseases. Last evaluated: 2025-09-27. Review status: criteria provided, single submitter. Criteria: Ambry Variant Classification Scheme 2023. Collection method: clinical testing. Allele origin: germline.

Mayo Clinic Laboratories, Mayo Clinic
Classification: Uncertain significance. Last evaluated: 2023-07-14. Review status: criteria provided, single submitter. Criteria: ACMG Guidelines, 2015. Collection method: clinical testing. Allele origin: germline. Observed: 1 variant allele.
Comment: BP4

NM_000081.4(LYST):c.4589G>C (p.Arg1530Thr)

Gene: LYST (lysosomal trafficking regulator; minus strand). Cytogenetic location: 1q42.3.
Variant type: single nucleotide variant.
Coding change: c.4589G>C on transcript NM_000081.4 (MANE Select); coding-DNA position 4589, G replaced by C.
Protein change: p.Arg1530Thr; replaces arginine 1530 with threonine.
Molecular consequence: missense variant.
Genome position (GRCh38, 1-based): chr1:235,788,800, C>G on the plus strand (G>C on the coding strand, the complement: LYST is on the minus strand). VCF-style: chr1-235788800-C-G. GRCh37 (hg19) VCF-style: chr1-235952100-C-G.
Other names: p.Arg1530Thr; c.4589G>C (NM_000081.2); c.4589G>C, p.Arg1530Thr (NM_001301365.1); short protein forms R1530T.
Identifiers: ClinVar variation 1040035 (VCV001040035.9), dbSNP rs376938449, ClinGen allele CA1466795.
Genomic context (GRCh38, chr1:235,788,800, plus strand): 5'-TGGATCATCAACGCTTTGGATCCCAGTGAAATTATATGAATACATCCTTCTTCTATGAGT[C>G]TTTCACCAGGATTTATGTACTCTGCACCTTCTGGTCTGTCGCTCTCTATAAGAAAAAGAT-3'
Protein context (NP_000072.2, residues 1520-1540): EGAEYINPGE[Arg1530Thr]LIEEGCIHII